The following is an entry in ClinVar:

NM_001318852.2(MAPK8IP3):c.65del (p.Gly22fs)

Gene: MAPK8IP3 (mitogen-activated protein kinase 8 interacting protein 3; plus strand). Cytogenetic location: 16p13.3.
Variant type: Deletion.
Coding change: c.65del on transcript NM_001318852.2 (MANE Select); coding-DNA position 65, one base deleted (G; older notation c.65delG).
Protein change: p.Gly22fs; shifts the reading frame from glycine 22.
Molecular consequence: frameshift variant.
Genome position (GRCh38, 1-based): chr16:1,706,404, G deleted; the last of 2 consecutive G bases (chr16:1,706,403-1,706,404); deleting either gives the same sequence. VCF-style (leftmost placement, unchanged base first): chr16-1706402-CG-C. GRCh37 (hg19) VCF-style: chr16-1756403-CG-C.
Other names: c.65del, p.Gly22fs (NM_001040439.2, NM_015133.5); short protein forms G22fs.
Identifiers: ClinVar variation 632561 (VCV000632561.5), dbSNP rs1567128142, ClinGen allele CA913190363.

ClinVar aggregate classification (germline): Likely pathogenic. Review status: criteria provided, multiple submitters, no conflicts (2 of 4 stars). 3 submissions from 3 submitters: Likely pathogenic (2). 1 of the submissions does not count toward it. Last evaluated 2019-07-23.

Conditions:
Inborn genetic diseases. Identifiers: MedGen C0950123, MeSH D030342.
Neurodevelopmental disorder with or without variable brain abnormalities; NEDBA. Also called: NEURODEVELOPMENTAL DISORDER WITH OR WITHOUT VARIABLE BRAIN ABNORMALITIES. Identifiers: MedGen C5193102, MONDO:0032755, OMIM 618443.

Submissions (3):

Ambry Genetics
Classification: Likely pathogenic for Inborn genetic diseases. Last evaluated: 2019-07-23. Review status: criteria provided, single submitter. Criteria: Ambry exome assertion method (8-5-2015). Collection method: clinical testing. Allele origin: germline. Affected: yes. Observed: 1 variant allele.

Institute of Human Genetics, University of Leipzig Medical Center
Classification: Likely pathogenic for Neurodevelopmental disorder with or without variable brain abnormalities; NEDBA. Last evaluated: 2019-02-07. Review status: criteria provided, single submitter. Criteria: ACMG Guidelines, 2015. Collection method: clinical testing. Allele origin: de novo. Affected: yes.
Comment: This variant was identified as de novo (maternity and paternity confirmed).

OMIM
Classification: Pathogenic for NEURODEVELOPMENTAL DISORDER WITH VARIABLE BRAIN ABNORMALITIES. Last evaluated: 2019-05-23. Review status: no assertion criteria provided. Collection method: literature only. Allele origin: germline. Not counted in ClinVar's aggregate classification.

Literature cited by the submitters: PubMed 30612693 (cited by Institute of Human Genetics, University of Leipzig Medical Center and OMIM).